The following is an entry in ClinVar:

NM_006648.4(WNK2):c.6401G>T (p.Ser2134Ile)

Gene: WNK2 (WNK lysine deficient protein kinase 2; plus strand). Cytogenetic location: 9q22.31.
Variant type: single nucleotide variant.
Coding change: c.6401G>T on transcript NM_006648.4 (MANE Select); coding-DNA position 6401, G replaced by T.
Protein change: p.Ser2134Ile; replaces serine 2134 with isoleucine.
Molecular consequence: missense variant.
Genome position (GRCh38, 1-based): chr9:93,308,469, G>T. VCF-style: chr9-93308469-G-T. GRCh37 (hg19) VCF-style: chr9-96070751-G-T.
Other names: c.6512G>T, p.Ser2171Ile (NM_001282394.3); short protein forms S2171I, S2134I.
Identifiers: ClinVar variation 4826236 (VCV004826236.1).

ClinVar aggregate classification (germline): Uncertain significance (1 of 4 stars; one submission).

Submission:

Ambry Genetics
Classification: Uncertain significance. Last evaluated: 2026-03-06. Review status: criteria provided, single submitter. Criteria: Ambry Variant Classification Scheme 2023. Collection method: clinical testing. Allele origin: germline.
Comment: The p.S2134I variant (also known as c.6401G>T), located in coding exon 27 of the WNK2 gene, results from a G to T substitution at nucleotide position 6401. The serine at codon 2134 is replaced by isoleucine, an amino acid with dissimilar properties. This amino acid position is conserved. In addition, this alteration is predicted to be tolerated by in silico analysis. Based on the available evidence, the clinical significance of this variant remains unclear.